The following is an entry in ClinVar:

ClinVar aggregate classification (germline): Likely benign. Review status: criteria provided, multiple submitters, no conflicts (2 of 4 stars). 2 submissions from 2 submitters: Likely benign (2). Last evaluated 2025-09-12.

Conditions:
Aortic aneurysm, familial thoracic 8 (AAT8). Identifiers: MedGen C3809513, MONDO:0014187, OMIM 615436.

Allele frequency attached by ClinVar (database versions not stated): gnomAD 0.00001; gnomAD exomes 0.00001 and below 0.00001; TOPMed below 0.00001.
gnomAD v4.1: 14 of 1,605,362 alleles (0.00087%); highest among the groups gnomAD compares: Non-Finnish European, 0.0011%; no homozygotes.

Submissions (2):

Labcorp Genetics (formerly Invitae), Labcorp
Classification: Likely benign for Aortic aneurysm, familial thoracic 8. Last evaluated: 2025-09-12. Review status: criteria provided, single submitter. Criteria: Invitae Variant Classification Sherloc (09022015). Collection method: clinical testing. Allele origin: germline.

GeneDx
Classification: Likely benign. Last evaluated: 2016-12-28. Review status: criteria provided, single submitter. Criteria: GeneDx Variant Classification (06012015). Collection method: clinical testing. Allele origin: germline. Affected: yes.
Comment: This variant is considered likely benign or benign based on one or more of the following criteria: it is a conservative change, it occurs at a poorly conserved position in the protein, it is predicted to be benign by multiple in silico algorithms, and/or has population frequency not consistent with disease.

NM_006258.4(PRKG1):c.1001+12G>A

Gene: PRKG1 (protein kinase cGMP-dependent 1; plus strand). Cytogenetic location: 10q21.1.
Variant type: single nucleotide variant.
Coding change: c.1001+12G>A on transcript NM_006258.4 (MANE Select); 12 bases into the intron after coding-DNA position 1001, G replaced by A.
Molecular consequence: intron variant.
Genome position (GRCh38, 1-based): chr10:52,133,917, G>A. VCF-style: chr10-52133917-G-A. GRCh37 (hg19) VCF-style: chr10-53893677-G-A.
Other names: c.1001+12G>A (LRG_1135t1); c.956+12G>A (LRG_1135t2, NM_001098512.3).
Identifiers: ClinVar variation 392207 (VCV000392207.3), dbSNP rs1057524395, ClinGen allele CA16605640.